The following is an entry in ClinVar:

NM_006254.4(PRKCD):c.968C>T (p.Ala323Val)

Gene: PRKCD (protein kinase C delta; plus strand). Cytogenetic location: 3p21.1.
Variant type: single nucleotide variant.
Coding change: c.968C>T on transcript NM_006254.4 (MANE Select); coding-DNA position 968, C replaced by T.
Protein change: p.Ala323Val; replaces alanine 323 with valine.
Molecular consequence: missense variant.
Genome position (GRCh38, 1-based): chr3:53,185,683, C>T. VCF-style: chr3-53185683-C-T. GRCh37 (hg19) VCF-style: chr3-53219699-C-T.
Other names: c.968C>T, p.Ala323Val (NM_001316327.2, NM_001354679.2, NM_001354680.2 and 1 more transcripts); c.1025C>T, p.Ala342Val (NM_001354676.2); c.1016C>T, p.Ala339Val (NM_001354678.2); short protein forms A323V, A339V, A342V.
Identifiers: ClinVar variation 3899710 (VCV003899710.1).

ClinVar aggregate classification (germline): Uncertain significance (1 of 4 stars; one submission).

Submission:

GeneDx
Classification: Uncertain significance. Last evaluated: 2024-11-14. Review status: criteria provided, single submitter. Criteria: GeneDx Variant Classification Process June 2021. Collection method: clinical testing. Allele origin: germline. Affected: yes.
Comment: Not observed at significant frequency in large population cohorts (gnomAD); In silico analysis indicates that this missense variant does not alter protein structure/function; Has not been previously published as pathogenic or benign to our knowledge